The following is an entry in ClinVar:

ClinVar aggregate classification (germline): Conflicting classifications of pathogenicity. Review status: criteria provided, conflicting classifications (1 of 4 stars). 5 submissions from 5 submitters: Uncertain significance (4); Benign (1). Last evaluated 2026-01-30.

Conditions:
POLD1-related polyposis and colorectal cancer syndrome (CRCS10). Also called: Colorectal cancer 10; COLORECTAL CANCER, SUSCEPTIBILITY TO, ON CHROMOSOME 19q; Colorectal cancer, susceptibility to, 10. Identifiers: Orphanet 220460, MedGen C2675481, MONDO:0012953, OMIM 612591.
Hereditary cancer-predisposing syndrome. Also called: Tumor predisposition; Neoplastic Syndromes, Hereditary; Hereditary Cancer Syndrome; Hereditary neoplastic syndrome. Identifiers: Orphanet 140162, MedGen C0027672, MeSH D009386, MONDO:0015356.

Allele frequency attached by ClinVar (database versions not stated): gnomAD 0.00001 and 0.00003; TOPMed 0.00003; gnomAD exomes 0.00008 and 0.00009; ExAC 0.00011.
gnomAD v4.1: 125 of 1,592,276 alleles (0.0079%); highest among the groups gnomAD compares: South Asian, 0.047%; no homozygotes.

Submissions (5):

Labcorp Genetics (formerly Invitae), Labcorp
Classification: Uncertain significance for POLD1-related polyposis and colorectal cancer syndrome. Last evaluated: 2026-01-30. Review status: criteria provided, single submitter. Criteria: Invitae Variant Classification Sherloc (09022015). Collection method: clinical testing. Allele origin: germline.
Comment: This sequence change replaces arginine, which is basic and polar, with cysteine, which is neutral and slightly polar, at codon 849 of the POLD1 protein (p.Arg849Cys). This variant is present in population databases (rs759987234, gnomAD 0.05%), and has an allele count higher than expected for a pathogenic variant. This variant has not been reported in the literature in individuals affected with POLD1-related conditions. ClinVar contains an entry for this variant (Variation ID: 581013). Invitae Evidence Modeling of protein sequence and biophysical properties (such as structural, functional, and spatial information, amino acid conservation, physicochemical variation, residue mobility, and thermodynamic stability) indicates that this missense variant is not expected to disrupt POLD1 protein function with a negative predictive value of 80%. In summary, the available evidence is currently insufficient to determine the role of this variant in disease. Therefore, it has been classified as a Variant of Uncertain Significance.

Center for Genomic Medicine, Rigshospitalet, Copenhagen University Hospital
Classification: Uncertain significance. Last evaluated: 2025-03-04. Review status: criteria provided, single submitter. Criteria: ACMG Guidelines, 2015. Collection method: clinical testing. Allele origin: germline.

GeneDx
Classification: Uncertain significance. Last evaluated: 2025-01-10. Review status: criteria provided, single submitter. Criteria: GeneDx Variant Classification Process June 2021. Collection method: clinical testing. Allele origin: germline. Affected: yes.
Comment: In silico analysis supports that this missense variant has a deleterious effect on protein structure/function; Has not been previously published as pathogenic or benign to our knowledge; This variant is associated with the following publications: (PMID: 29056344, 35620275)

Ambry Genetics
Classification: Benign for Hereditary cancer-predisposing syndrome. Last evaluated: 2024-08-20. Review status: criteria provided, single submitter. Criteria: Ambry Variant Classification Scheme 2023. Collection method: clinical testing. Allele origin: germline.

Quest Diagnostics Nichols Institute San Juan Capistrano
Classification: Uncertain significance. Last evaluated: 2018-05-19. Review status: criteria provided, single submitter. Criteria: Quest Diagnostics criteria. Collection method: clinical testing. Allele origin: germline.

NM_002691.4(POLD1):c.2545C>T (p.Arg849Cys)

Gene: POLD1 (DNA polymerase delta 1, catalytic subunit; plus strand). Cytogenetic location: 19q13.33.
Variant type: single nucleotide variant.
Coding change: c.2545C>T on transcript NM_002691.4 (MANE Select); coding-DNA position 2545, C replaced by T.
Protein change: p.Arg849Cys; replaces arginine 849 with cysteine.
Molecular consequence: missense variant. On other transcripts: non-coding transcript variant (1).
Genome position (GRCh38, 1-based): chr19:50,414,971, C>T. VCF-style: chr19-50414971-C-T. GRCh37 (hg19) VCF-style: chr19-50918228-C-T.
Other names: c.2545C>T, p.Arg849Cys (NM_001256849.1); c.2623C>T, p.Arg875Cys (NM_001308632.1); c.2545C>T (NM_002691.2); short protein forms R849C, R875C.
Identifiers: ClinVar variation 581013 (VCV000581013.26), dbSNP rs759987234, ClinGen allele CA9596546.